The following is an entry in ClinVar:

NM_206933.4(USH2A):c.14894_14915del (p.Val4965fs)

Gene: USH2A (usherin; minus strand). Cytogenetic location: 1q41.
Variant type: Deletion.
Coding change: c.14894_14915del on transcript NM_206933.4 (MANE Select); coding-DNA positions 14894 to 14915, 22 bases deleted (TGTTAACCGACGGAGGGCGACG).
Protein change: p.Val4965fs; shifts the reading frame from valine 4965.
Molecular consequence: frameshift variant.
Genome position (GRCh38, 1-based): chr1:215,640,611-215,640,632, CGTCGCCCTCCGTCGGTTAACA deleted on the plus strand (TGTTAACCGACGGAGGGCGACG on the coding strand, the reverse complement: USH2A is on the minus strand); deleting any 22 consecutive bases within chr1:215,640,611-215,640,635 gives the same sequence; the c. name uses the placement nearest the transcript's 3' end. VCF-style (leftmost placement, unchanged base first): chr1-215640610-GCGTCGCCCTCCGTCGGTTAACA-G. GRCh37 (hg19) VCF-style: chr1-215813952-GCGTCGCCCTCCGTCGGTTAACA-G.
Other names: short protein forms V4965fs.
Identifiers: ClinVar variation 554540 (VCV000554540.5), dbSNP rs1553249452, ClinGen allele CA658822634.
Genomic context (GRCh38, chr1:215,640,610, plus strand): 5'-AAACTAACTTTTGTCCGCCGTTCTCGGTATGTAGAGGGTGGTGTCCAAGCCGCTGTACAC[GCGTCGCCCTCCGTCGGTTAACA>G]CGTACTCCTTCAGTTGGCCGTTCAGGAGGAAGGTGTCACTCCAGTTCACACACACCACAG-3'

ClinVar aggregate classification (germline): Pathogenic. Review status: criteria provided, single submitter (1 of 4 stars). 2 submissions from 2 submitters: Pathogenic (1). 1 of the submissions does not count toward it. Last evaluated 2023-07-08.

Conditions:
Retinitis pigmentosa 39 (RP39). Identifiers: Orphanet 791, MedGen C3151138, MONDO:0013436, OMIM 613809.
Usher syndrome type 2A. Also called: RETINAL DISEASE IN USHER SYNDROME TYPE IIA, MODIFIER OF; USHER SYNDROME, TYPE IIA. Identifiers: Orphanet 231178, Orphanet 886, MedGen C1848634, MONDO:0010169, OMIM 276901.

Submissions (2):

Labcorp Genetics (formerly Invitae), Labcorp
Classification: Pathogenic. Last evaluated: 2023-07-08. Review status: criteria provided, single submitter. Criteria: Invitae Variant Classification Sherloc (09022015). Collection method: clinical testing. Allele origin: germline.
Comment: For these reasons, this variant has been classified as Pathogenic. ClinVar contains an entry for this variant (Variation ID: 554540). This variant has not been reported in the literature in individuals affected with USH2A-related conditions. This variant is not present in population databases (gnomAD no frequency). This sequence change creates a premature translational stop signal (p.Val4965Alafs*37) in the USH2A gene. It is expected to result in an absent or disrupted protein product. Loss-of-function variants in USH2A are known to be pathogenic (PMID: 10729113, 10909849, 20507924, 25649381).

Counsyl
Classification: Likely pathogenic for Usher syndrome type 2A; Retinitis pigmentosa 39. Last evaluated: 2017-10-25. Review status: no assertion criteria provided. Collection method: clinical testing. Allele origin: unknown. Not counted in ClinVar's aggregate classification.

Literature cited by the submitters: PubMed 10729113 (cited by Labcorp Genetics (formerly Invitae), Labcorp); PubMed 10909849 (cited by Labcorp Genetics (formerly Invitae), Labcorp); PubMed 20507924 (cited by Labcorp Genetics (formerly Invitae), Labcorp); PubMed 25649381 (cited by Labcorp Genetics (formerly Invitae), Labcorp).